The following is an entry in ClinVar:

NM_004055.5(CAPN5):c.572G>A (p.Gly191Asp)

Gene: CAPN5 (calpain 5; plus strand). Cytogenetic location: 11q13.5.
Variant type: single nucleotide variant.
Coding change: c.572G>A on transcript NM_004055.5 (MANE Select); coding-DNA position 572, G replaced by A.
Protein change: p.Gly191Asp; replaces glycine 191 with aspartic acid.
Molecular consequence: missense variant.
Genome position (GRCh38, 1-based): chr11:77,114,307, G>A. VCF-style: chr11-77114307-G-A. GRCh37 (hg19) VCF-style: chr11-76825353-G-A.
Other names: c.572G>A (NM_004055.4); short protein forms G191D.
Identifiers: ClinVar variation 1059541 (VCV001059541.10), dbSNP rs1046217126, ClinGen allele CA224826505.

ClinVar aggregate classification (germline): Uncertain significance. Review status: criteria provided, multiple submitters, no conflicts (2 of 4 stars). 2 submissions from 2 submitters: Uncertain significance (2). Last evaluated 2026-02-28.

Conditions:
Inborn genetic diseases. Identifiers: MedGen C0950123, MeSH D030342.

Allele frequency attached by ClinVar (database versions not stated): TOPMed below 0.00001; gnomAD 0.00001.
gnomAD v4.1: 3 of 1,614,106 alleles (0.00019%); highest among the groups gnomAD compares: Admixed American, 0.0033%; no homozygotes.

Submissions (2):

Ambry Genetics
Classification: Uncertain significance for Inborn genetic diseases. Last evaluated: 2026-02-28. Review status: criteria provided, single submitter. Criteria: Ambry Variant Classification Scheme 2023. Collection method: clinical testing. Allele origin: germline.

Labcorp Genetics (formerly Invitae), Labcorp
Classification: Uncertain significance. Last evaluated: 2022-10-21. Review status: criteria provided, single submitter. Criteria: Invitae Variant Classification Sherloc (09022015). Collection method: clinical testing. Allele origin: germline.
Comment: This sequence change replaces glycine, which is neutral and non-polar, with aspartic acid, which is acidic and polar, at codon 191 of the CAPN5 protein (p.Gly191Asp). This variant is not present in population databases (gnomAD no frequency). In summary, the available evidence is currently insufficient to determine the role of this variant in disease. Therefore, it has been classified as a Variant of Uncertain Significance. Advanced modeling of protein sequence and biophysical properties (such as structural, functional, and spatial information, amino acid conservation, physicochemical variation, residue mobility, and thermodynamic stability) performed at Invitae indicates that this missense variant is expected to disrupt CAPN5 protein function. ClinVar contains an entry for this variant (Variation ID: 1059541). This variant has not been reported in the literature in individuals affected with CAPN5-related conditions.